The following is an entry in ClinVar:

NM_015175.3(NBEAL2):c.8264G>A (p.Ter2755=)

Gene: NBEAL2 (neurobeachin like 2; plus strand). Cytogenetic location: 3p21.31.
Variant type: single nucleotide variant.
Coding change: c.8264G>A on transcript NM_015175.3 (MANE Select); coding-DNA position 8264, G replaced by A.
Protein change: p.Ter2755=.
Molecular consequence: synonymous variant.
Genome position (GRCh38, 1-based): chr3:47,009,319, G>A. VCF-style: chr3-47009319-G-A. GRCh37 (hg19) VCF-style: chr3-47050809-G-A.
Other names: c.8162G>A, p.Ter2721= (NM_001365116.2).
Identifiers: ClinVar variation 3041260 (VCV003041260.2), dbSNP rs780468165, ClinGen allele CA2362402.
Genomic context (GRCh38, chr3:47,009,319, plus strand): 5'-CGCGGCGCATCTCCCAGGTGTCCTCGGGAGAGACGGAATACAACCCTACTGAGGCGCGCT[G>A]AACCTGGCCAGTCCGGCTGCTCGGGCCCCGCCCCCGGCAGGCCTGGCCCGGGAGGCCCCG-3'

ClinVar aggregate classification (germline): Likely benign (0 of 4 stars; one submission).

Conditions:
NBEAL2-related disorder. Also called: NBEAL2-related condition.

Allele frequency attached by ClinVar (database versions not stated): gnomAD 0.00001; ExAC 0.00002; TOPMed 0.00002.
gnomAD v4.1: 40 of 1,588,174 alleles (0.0025%); highest among the groups gnomAD compares: Non-Finnish European, 0.0034%; no homozygotes.

Submission:

PreventionGenetics, part of Exact Sciences
Classification: Likely benign for NBEAL2-related condition. Last evaluated: 2019-05-14. Review status: no assertion criteria provided. Collection method: clinical testing. Allele origin: germline.
Comment: This variant is classified as likely benign based on ACMG/AMP sequence variant interpretation guidelines (Richards et al. 2015 PMID: 25741868, with internal and published modifications).